The following is an entry in ClinVar:

ClinVar aggregate classification (germline): Uncertain significance (1 of 4 stars; one submission).

Conditions:
ERBB3-related disorder. Also called: ERBB3-related condition.

gnomAD v4.1: 1 of 1,613,026 alleles (0.000062%); highest among the groups gnomAD compares: Non-Finnish European, 0.000085%; no homozygotes.

Submission:

PreventionGenetics, part of Exact Sciences
Classification: Uncertain significance for ERBB3-related condition. Last evaluated: 2026-03-09. Review status: criteria provided, single submitter. Criteria: ACMG Guidelines, 2015. Collection method: clinical testing. Allele origin: germline.
Comment: The ERBB3 c.3889G>A variant is predicted to result in the amino acid substitution p.Gly1297Arg. To our knowledge, this variant has not been reported in the literature or in a large population database (gnomAD), indicating this variant is rare. At this time, the clinical significance of this variant is uncertain due to the absence of conclusive functional and genetic evidence.

NM_001982.4(ERBB3):c.3889G>A (p.Gly1297Arg)

Gene: ERBB3 (erb-b2 receptor tyrosine kinase 3; plus strand). Cytogenetic location: 12q13.2.
Variant type: single nucleotide variant.
Coding change: c.3889G>A on transcript NM_001982.4 (MANE Select); coding-DNA position 3889, G replaced by A.
Protein change: p.Gly1297Arg; replaces glycine 1297 with arginine.
Molecular consequence: missense variant.
Genome position (GRCh38, 1-based): chr12:56,101,915, G>A. VCF-style: chr12-56101915-G-A. GRCh37 (hg19) VCF-style: chr12-56495699-G-A.
Other names: short protein forms G1297R.
Identifiers: ClinVar variation 4993022 (VCV004993022.1).